The following is an entry in ClinVar:

NM_172351.3(CD46):c.857-92A>G

Gene: CD46 (CD46 molecule; plus strand). Cytogenetic location: 1q32.2.
Variant type: single nucleotide variant.
Coding change: c.857-92A>G on transcript NM_172351.3 (MANE Select); 92 bases into the intron before coding-DNA position 857, A replaced by G.
Molecular consequence: intron variant.
Genome position (GRCh38, 1-based): chr1:207,767,687, A>G. VCF-style: chr1-207767687-A-G. GRCh37 (hg19) VCF-style: chr1-207941032-A-G.
Other names: c.901+36A>G (NM_002389.4, NM_172359.3); c.857-92A>G (NM_153826.4, NM_172358.3, NM_172355.3 and 1 more transcripts); c.856+492A>G (NM_172352.3, NM_172353.3, NM_172350.3 and 2 more transcripts).
Identifiers: ClinVar variation 4291224 (VCV004291224.2).

ClinVar aggregate classification (germline): Likely benign (1 of 4 stars; one submission).

Conditions:
Atypical hemolytic-uremic syndrome. Identifiers: Orphanet 2134, MedGen C2931788, MONDO:0016244.

gnomAD v4.1: 113 of 1,600,372 alleles (0.0071%); highest among the groups gnomAD compares: South Asian, 0.12%; no homozygotes.

Submission:

Genomenon, Inc
Classification: Likely benign for Atypical hemolytic-uremic syndrome. Last evaluated: 2026-09-17. Review status: criteria provided, single submitter. Criteria: Genomenon Sequence Variant Interpretation Standards - Updated. Collection method: curation. Allele origin: germline. Affected: no.
Comment: CD46 c.901+36A>G is an intronic variant located in intron 7. This variant has been reported in the published literature (PMID:29644059). This variant is not predicted to impact splicing. In conclusion, we classify CD46 c.901+36A>G as a likely benign variant.

Literature cited by the submitters: PubMed 29644059.